The following is an entry in ClinVar:

NM_000426.4(LAMA2):c.2322+2T>C

Gene: LAMA2 (laminin subunit alpha 2; plus strand). Cytogenetic location: 6q22.33.
Variant type: single nucleotide variant.
Coding change: c.2322+2T>C on transcript NM_000426.4 (MANE Select); the canonical splice donor site of the intron after coding-DNA position 2322, T replaced by C.
Molecular consequence: splice donor variant.
Genome position (GRCh38, 1-based): chr6:129,267,221, T>C. VCF-style: chr6-129267221-T-C. GRCh37 (hg19) VCF-style: chr6-129588366-T-C.
Other names: c.2322+2T>C (NM_001079823.2).
Identifiers: ClinVar variation 2693446 (VCV002693446.3), dbSNP rs2482194892, ClinGen allele CA365608968.

ClinVar aggregate classification (germline): Likely pathogenic (1 of 4 stars; one submission).

Conditions:
LAMA2-related muscular dystrophy (LAMA2-RD). Also called: Laminin alpha 2-related dystrophy. Identifiers: MedGen C5679788, MONDO:0100228.

Submission:

Labcorp Genetics (formerly Invitae), Labcorp
Classification: Likely pathogenic for LAMA2-related muscular dystrophy. Last evaluated: 2023-11-20. Review status: criteria provided, single submitter. Criteria: Invitae Variant Classification Sherloc (09022015). Collection method: clinical testing. Allele origin: germline.
Comment: This sequence change affects a donor splice site in intron 16 of the LAMA2 gene. It is expected to disrupt RNA splicing. Variants that disrupt the donor or acceptor splice site typically lead to a loss of protein function (PMID: 16199547), and loss-of-function variants in LAMA2 are known to be pathogenic (PMID: 18700894, 32904964). This variant is not present in population databases (gnomAD no frequency). This variant has not been reported in the literature in individuals affected with LAMA2-related conditions. Algorithms developed to predict the effect of sequence changes on RNA splicing suggest that this variant may disrupt the consensus splice site. In summary, the currently available evidence indicates that the variant is pathogenic, but additional data are needed to prove that conclusively. Therefore, this variant has been classified as Likely Pathogenic.

Literature cited by the submitters: PubMed 16199547; PubMed 18700894; PubMed 32904964.